The following is an entry in ClinVar:

NM_006892.4(DNMT3B):c.1491-8G>A

Genes: DNMT3B (DNA methyltransferase 3 beta; plus strand), LOC126863014 (CDK7 strongly-dependent group 2 enhancer GRCh37_chr20:31385992-31387191; plus strand). Cytogenetic location: 20q11.21.
Variant type: single nucleotide variant.
Coding change: c.1491-8G>A on transcript NM_006892.4 (MANE Select); 8 bases into the intron before coding-DNA position 1491, G replaced by A.
Molecular consequence: intron variant.
Genome position (GRCh38, 1-based): chr20:32,798,452, G>A. VCF-style: chr20-32798452-G-A. GRCh37 (hg19) VCF-style: chr20-31386258-G-A.
Other names: c.1491-8G>A (NM_001424351.1, NM_001424355.1); c.1431-8G>A (NM_175848.2, NM_001424353.1, NM_175849.2); c.1365-8G>A (NM_001424352.1, NM_001424356.1, NM_001424358.1); c.1305-8G>A (NM_001424354.1, NM_001424357.1, NM_001207055.2); c.1203-8G>A (NM_001207056.2); c.1467-8G>A (NM_175850.3, NM_001424359.1); c.1341-8G>A (NM_001424360.1).
Identifiers: ClinVar variation 2853021 (VCV002853021.3), dbSNP rs2515620439, ClinGen allele CA2652425493.
Genomic context (GRCh38, chr20:32,798,452, plus strand): 5'-GTGGTAAGGGGGTGGCACAGGAGACCAGCTCTGACAAAGGCATCCCTTCTCCCTGCCACT[G>A]GGTCCAGGTGTTTCTGTGTGGAGTGCCTGGAGGTGCTGGTGGGCACAGGCACAGCGGCCG-3'

ClinVar aggregate classification (germline): Uncertain significance (1 of 4 stars; one submission).

Conditions:
Centromeric instability of chromosomes 1,9 and 16 and immunodeficiency (ICF1). Also called: CENTROMERIC INSTABILITY, IMMUNODEFICIENCY SYNDROME; IMMUNE DEFICIENCY, VARIABLE, WITH CENTROMERIC INSTABILITY OF CHROMOSOMES 1, 9, AND 16; IMMUNODEFICIENCY SYNDROME, VARIABLE; Immunodeficiency-centromeric instability-facial anomalies. Identifiers: Orphanet 2268, MedGen C0398788, MONDO:0000133.

Allele frequency attached by ClinVar (database versions not stated): gnomAD exomes below 0.00001.
gnomAD v4.1: 1 of 1,614,208 alleles (0.000062%); highest among the groups gnomAD compares: Non-Finnish European, 0.000085%; no homozygotes.

Submission:

Labcorp Genetics (formerly Invitae), Labcorp
Classification: Uncertain significance for Centromeric instability of chromosomes 1,9 and 16 and immunodeficiency. Last evaluated: 2023-04-07. Review status: criteria provided, single submitter. Criteria: Invitae Variant Classification Sherloc (09022015). Collection method: clinical testing. Allele origin: germline.
Comment: This sequence change falls in intron 14 of the DNMT3B gene. It does not directly change the encoded amino acid sequence of the DNMT3B protein. This variant is not present in population databases (gnomAD no frequency). This variant has not been reported in the literature in individuals affected with DNMT3B-related conditions. Algorithms developed to predict the effect of sequence changes on RNA splicing suggest that this variant may disrupt the consensus splice site. In summary, the available evidence is currently insufficient to determine the role of this variant in disease. Therefore, it has been classified as a Variant of Uncertain Significance.